The following is an entry in ClinVar:

NM_004370.6(COL12A1):c.16C>T (p.Pro6Ser)

Gene: COL12A1 (collagen type XII alpha 1 chain; minus strand). Cytogenetic location: 6q14.1.
Variant type: single nucleotide variant.
Coding change: c.16C>T on transcript NM_004370.6 (MANE Select); coding-DNA position 16, C replaced by T.
Protein change: p.Pro6Ser; replaces proline 6 with serine.
Molecular consequence: missense variant.
Genome position (GRCh38, 1-based): chr6:75,202,777, G>A on the plus strand (C>T on the coding strand, the complement: COL12A1 is on the minus strand). VCF-style: chr6-75202777-G-A. GRCh37 (hg19) VCF-style: chr6-75912493-G-A.
Other names: c.16C>T, p.Pro6Ser (NM_001424113.1, NM_001424114.1, NM_001424115.1 and 2 more transcripts); short protein forms P6S.
Identifiers: ClinVar variation 4847571 (VCV004847571.1).
Genomic context (GRCh38, chr6:75,202,777, plus strand): 5'-TACCTTCTGCCTCAATGGAAGACAGGAGCAGGGCCGCGCCCAGGGCGGCAAGCGCTGGGG[G>A]AAGCCTACTCCGCATCCTTGGCCTCCGAGCTTACAGCGGCATGAAGAGATCTGCGGGAGG-3'
Protein context (NP_004361.3, residues 1-16): MRSRL[Pro6Ser]PALAALGAAL

ClinVar aggregate classification (germline): Uncertain significance (1 of 4 stars; one submission).

gnomAD v4.1: 1 of 1,551,858 alleles (0.000064%); highest among the groups gnomAD compares: Non-Finnish European, 0.000087%; no homozygotes.

Submission:

Women's Health and Genetics/Laboratory Corporation of America, LabCorp
Classification: Uncertain significance. Last evaluated: 2026-03-02. Review status: criteria provided, single submitter. Criteria: LabCorp Variant Classification Summary - May 2015. Collection method: clinical testing. Allele origin: germline.
Comment: Variant summary: COL12A1 c.16C>T (p.Pro6Ser) results in a non-conservative amino acid change in the encoded protein sequence. Algorithms developed to predict the effect of missense changes on protein structure and function are either unavailable or do not agree on the potential impact of this missense change. The variant was absent in 154578 control chromosomes. The available data on variant occurrences in the general population are insufficient to allow any conclusion about variant significance. To our knowledge, no occurrence of c.16C>T in individuals affected with COL12A1-related conditions and no experimental evidence demonstrating its impact on protein function have been reported. No submitters have cited clinical-significance assessments for this variant to ClinVar. Based on the evidence outlined above, the variant was classified as uncertain significance.